The following is an entry in ClinVar:

NM_005460.4(SNCAIP):c.1207T>C (p.Trp403Arg)

Gene: SNCAIP (synuclein alpha interacting protein; plus strand). Cytogenetic location: 5q23.2.
Variant type: single nucleotide variant.
Coding change: c.1207T>C on transcript NM_005460.4 (MANE Select); coding-DNA position 1207, T replaced by C.
Protein change: p.Trp403Arg; replaces tryptophan 403 with arginine.
Molecular consequence: missense variant. On other transcripts: non-coding transcript variant (2), intron variant (1).
Genome position (GRCh38, 1-based): chr5:122,431,993, T>C. VCF-style: chr5-122431993-T-C. GRCh37 (hg19) VCF-style: chr5-121767688-T-C.
Other names: c.1348T>C, p.Trp450Arg (NM_001308100.2); c.1027T>C, p.Trp343Arg (NM_001308105.1); c.103T>C, p.Trp35Arg (NM_001308106.1); c.109T>C, p.Trp37Arg (NM_001308107.2, NM_001242935.3); c.289T>C, p.Trp97Arg (NM_001308108.1); c.85-8636T>C (NM_001308109.2); short protein forms W343R, W35R, W37R, W403R, W450R, W97R.
Identifiers: ClinVar variation 5040610 (VCV005040610.1).

ClinVar aggregate classification (germline): Uncertain significance (1 of 4 stars; one submission).

gnomAD v4.1: 1 of 1,596,792 alleles (0.000063%); highest among the groups gnomAD compares: Non-Finnish European, 0.000086%; no homozygotes.

Submission:

CeGaT Center for Human Genetics Tuebingen
Classification: Uncertain significance. Last evaluated: 2026-08-01. Review status: criteria provided, single submitter. Criteria: CeGaT Center For Human Genetics Tuebingen Variant Classification Criteria Version 2. Collection method: clinical testing. Allele origin: germline. Affected: yes. Observed: 1 variant allele.
Comment: SNCAIP: PM2